The following is an entry in ClinVar:

ClinVar aggregate classification (germline): Pathogenic (1 of 4 stars; one submission).

Conditions:
Cohen syndrome (COH1). Also called: PEPPER SYNDROME; Cutis verticis gyrata, retinitis pigmentosa, and sensorineural deafness. Identifiers: Orphanet 193, MedGen C0265223, MONDO:0008999, OMIM 216550.

Submission:

Labcorp Genetics (formerly Invitae), Labcorp
Classification: Pathogenic for Cohen syndrome. Last evaluated: 2023-10-30. Review status: criteria provided, single submitter. Criteria: Invitae Variant Classification Sherloc (09022015). Collection method: clinical testing. Allele origin: germline.
Comment: This sequence change creates a premature translational stop signal (p.Trp815*) in the VPS13B gene. It is expected to result in an absent or disrupted protein product. Loss-of-function variants in VPS13B are known to be pathogenic (PMID: 15141358, 16648375, 20461111). This variant is not present in population databases (gnomAD no frequency). This variant has not been reported in the literature in individuals affected with VPS13B-related conditions. For these reasons, this variant has been classified as Pathogenic.

Literature cited by the submitters: PubMed 15141358; PubMed 16648375; PubMed 20461111.

NM_152564.5(VPS13B):c.2445G>A (p.Trp815Ter)

Gene: VPS13B (vacuolar protein sorting 13 homolog B; plus strand). Cytogenetic location: 8q22.2.
Variant type: single nucleotide variant.
Coding change: c.2445G>A on transcript NM_152564.5 (MANE Select); coding-DNA position 2445, G replaced by A.
Protein change: p.Trp815Ter; replaces tryptophan 815 with a stop codon.
Molecular consequence: nonsense.
Genome position (GRCh38, 1-based): chr8:99,192,987, G>A. VCF-style: chr8-99192987-G-A. GRCh37 (hg19) VCF-style: chr8-100205215-G-A.
Other names: c.2445G>A, p.Trp815Ter (NM_015243.3, NM_017890.5); short protein forms W815*.
Identifiers: ClinVar variation 2915286 (VCV002915286.3), dbSNP rs1452649119, ClinGen allele CA371861693.